The following is an entry in ClinVar:

NM_000078.3(CETP):c.935T>A (p.Val312Glu)

Gene: CETP (cholesteryl ester transfer protein; plus strand). Cytogenetic location: 16q13.
Variant type: single nucleotide variant.
Coding change: c.935T>A on transcript NM_000078.3 (MANE Select); coding-DNA position 935, T replaced by A.
Protein change: p.Val312Glu; replaces valine 312 with glutamic acid.
Molecular consequence: missense variant.
Genome position (GRCh38, 1-based): chr16:56,975,105, T>A. VCF-style: chr16-56975105-T-A. GRCh37 (hg19) VCF-style: chr16-57009017-T-A.
Other names: c.755T>A, p.Val252Glu (NM_001286085.2); short protein forms V252E, V312E.
Identifiers: ClinVar variation 2864541 (VCV002864541.3), dbSNP rs1323326418, ClinGen allele CA396004084.

ClinVar aggregate classification (germline): Uncertain significance (1 of 4 stars; one submission).

Allele frequency attached by ClinVar (database versions not stated): TOPMed 0.00001.
gnomAD v4.1: 3 of 1,614,130 alleles (0.00019%); highest among the groups gnomAD compares: Admixed American, 0.0033%; no homozygotes.

Submission:

Labcorp Genetics (formerly Invitae), Labcorp
Classification: Uncertain significance. Last evaluated: 2023-10-10. Review status: criteria provided, single submitter. Criteria: Invitae Variant Classification Sherloc (09022015). Collection method: clinical testing. Allele origin: germline.
Comment: This sequence change replaces valine, which is neutral and non-polar, with glutamic acid, which is acidic and polar, at codon 312 of the CETP protein (p.Val312Glu). This variant is present in population databases (no rsID available, gnomAD 0.006%). This variant has not been reported in the literature in individuals affected with CETP-related conditions. Advanced modeling of protein sequence and biophysical properties (such as structural, functional, and spatial information, amino acid conservation, physicochemical variation, residue mobility, and thermodynamic stability) performed at Invitae indicates that this missense variant is not expected to disrupt CETP protein function. In summary, the available evidence is currently insufficient to determine the role of this variant in disease. Therefore, it has been classified as a Variant of Uncertain Significance.